The following is an entry in ClinVar:

NM_024656.4(COLGALT1):c.1370G>A (p.Arg457Gln)

Gene: COLGALT1 (collagen beta(1-O)galactosyltransferase 1; plus strand). Cytogenetic location: 19p13.11.
Variant type: single nucleotide variant.
Coding change: c.1370G>A on transcript NM_024656.4 (MANE Select); coding-DNA position 1370, G replaced by A.
Protein change: p.Arg457Gln; replaces arginine 457 with glutamine.
Molecular consequence: missense variant.
Genome position (GRCh38, 1-based): chr19:17,579,585, G>A. VCF-style: chr19-17579585-G-A. GRCh37 (hg19) VCF-style: chr19-17690394-G-A.
Other names: c.1370G>A (NM_024656.2); short protein forms R457Q.
Identifiers: ClinVar variation 2048218 (VCV002048218.3), dbSNP rs139673867, ClinGen allele CA9297277.
Genomic context (GRCh38, chr19:17,579,585, plus strand): 5'-ACCTGCGTTTTGAGATCTTCTTCAAGAGACGTCTGATGAACCTCATGCGGGATGTGGAGC[G>A]GGAGGGCCTGGACTGGGACCTCATGTGAGTGGGGGTCTGAGGATGGGGTGAAGCTGGGGC-3'
Protein context (NP_078932.2, residues 447-467): RLMNLMRDVE[Arg457Gln]EGLDWDLIYV

ClinVar aggregate classification (germline): Uncertain significance. Review status: criteria provided, multiple submitters, no conflicts (2 of 4 stars). 2 submissions from 2 submitters: Uncertain significance (2). Last evaluated 2026-01-19.

Conditions:
Inborn genetic diseases. Identifiers: MedGen C0950123, MeSH D030342.

Allele frequency attached by ClinVar (database versions not stated): gnomAD 0.00004; ExAC 0.00008; TOPMed 0.00011; 1000 Genomes Project 0.00020; 1000 Genomes Project 30x 0.00047.

Submissions (2):

Labcorp Genetics (formerly Invitae), Labcorp
Classification: Uncertain significance. Last evaluated: 2026-01-19. Review status: criteria provided, single submitter. Criteria: Invitae Variant Classification Sherloc (09022015). Collection method: clinical testing. Allele origin: germline.
Comment: This sequence change replaces arginine, which is basic and polar, with glutamine, which is neutral and polar, at codon 457 of the COLGALT1 protein (p.Arg457Gln). This variant is present in population databases (rs139673867, gnomAD 0.08%). This variant has not been reported in the literature in individuals affected with COLGALT1-related conditions. ClinVar contains an entry for this variant (Variation ID: 2048218). Invitae Evidence Modeling of protein sequence and biophysical properties (such as structural, functional, and spatial information, amino acid conservation, physicochemical variation, residue mobility, and thermodynamic stability) indicates that this missense variant is not expected to disrupt COLGALT1 protein function with a negative predictive value of 80%. In summary, the available evidence is currently insufficient to determine the role of this variant in disease. Therefore, it has been classified as a Variant of Uncertain Significance.

Ambry Genetics
Classification: Uncertain significance for Inborn genetic diseases. Last evaluated: 2025-11-11. Review status: criteria provided, single submitter. Criteria: Ambry Variant Classification Scheme 2023. Collection method: clinical testing. Allele origin: germline.